The following is an entry in ClinVar:

ClinVar aggregate classification (germline): Uncertain significance (1 of 4 stars; one submission).

Submission:

Labcorp Genetics (formerly Invitae), Labcorp
Classification: Uncertain significance. Last evaluated: 2022-08-04. Review status: criteria provided, single submitter. Criteria: Invitae Variant Classification Sherloc (09022015). Collection method: clinical testing. Allele origin: germline.
Comment: In summary, the available evidence is currently insufficient to determine the role of this variant in disease. Therefore, it has been classified as a Variant of Uncertain Significance. Advanced modeling of protein sequence and biophysical properties (such as structural, functional, and spatial information, amino acid conservation, physicochemical variation, residue mobility, and thermodynamic stability) performed at Invitae indicates that this missense variant is not expected to disrupt PIEZO1 protein function. This variant has not been reported in the literature in individuals affected with PIEZO1-related conditions. This variant is not present in population databases (gnomAD no frequency). This sequence change replaces glycine, which is neutral and non-polar, with serine, which is neutral and polar, at codon 244 of the PIEZO1 protein (p.Gly244Ser).

NM_001142864.4(PIEZO1):c.730G>A (p.Gly244Ser)

Genes: HSALR1 (HSP90AB1 associated lncRNA 1; plus strand), PIEZO1 (piezo type mechanosensitive ion channel component 1 (Er blood group); minus strand). Cytogenetic location: 16q24.3.
Variant type: single nucleotide variant.
Coding change: c.730G>A on transcript NM_001142864.4 (MANE Select); coding-DNA position 730, G replaced by A.
Protein change: p.Gly244Ser; replaces glycine 244 with serine.
Molecular consequence: missense variant. On other transcripts: non-coding transcript variant (1).
Genome position (GRCh38, 1-based): chr16:88,738,345, C>T on the plus strand (G>A on the coding strand, the complement: PIEZO1 is on the minus strand). VCF-style: chr16-88738345-C-T. GRCh37 (hg19) VCF-style: chr16-88804753-C-T.
Other names: short protein forms G244S.
Identifiers: ClinVar variation 2065966 (VCV002065966.4), dbSNP rs1290956076, ClinGen allele CA397123197.